The following is an entry in ClinVar:

NM_194248.3(OTOF):c.2129C>G (p.Pro710Arg)

Gene: OTOF (otoferlin; minus strand). Cytogenetic location: 2p23.3.
Variant type: single nucleotide variant.
Coding change: c.2129C>G on transcript NM_194248.3 (MANE Select); coding-DNA position 2129, C replaced by G.
Protein change: p.Pro710Arg; replaces proline 710 with arginine.
Molecular consequence: missense variant.
Genome position (GRCh38, 1-based): chr2:26,479,349, G>C on the plus strand (C>G on the coding strand, the complement: OTOF is on the minus strand). VCF-style: chr2-26479349-G-C. GRCh37 (hg19) VCF-style: chr2-26702217-G-C.
Other names: c.2129C>G, p.Pro710Arg (NM_001287489.2); short protein forms P710R.
Identifiers: ClinVar variation 2383883 (VCV002383883.3), dbSNP rs747718052, ClinGen allele CA1564054.

ClinVar aggregate classification (germline): Uncertain significance. Review status: criteria provided, multiple submitters, no conflicts (2 of 4 stars). 2 submissions from 2 submitters: Uncertain significance (2). Last evaluated 2026-03-04.

Conditions:
Inborn genetic diseases. Identifiers: MedGen C0950123, MeSH D030342.
OTOF-related disorder. Also called: OTOF-related condition.

Allele frequency attached by ClinVar (database versions not stated): ExAC 0.00002; gnomAD 0.00005; TOPMed 0.00005; gnomAD exomes 0.00010.
gnomAD v4.1: 151 of 1,612,788 alleles (0.0094%); highest among the groups gnomAD compares: Non-Finnish European, 0.012%; no homozygotes.

Submissions (2):

PreventionGenetics, part of Exact Sciences
Classification: Uncertain significance for OTOF-related condition. Last evaluated: 2026-03-04. Review status: criteria provided, single submitter. Criteria: ACMG Guidelines, 2015. Collection method: clinical testing. Allele origin: germline.
Comment: The OTOF c.2129C>G variant is predicted to result in the amino acid substitution p.Pro710Arg. To our knowledge, this variant has not been reported in the literature. This variant is reported in 0.0055% of alleles in individuals of European (Non-Finnish) descent in gnomAD. At this time, the clinical significance of this variant is uncertain due to the absence of conclusive functional and genetic evidence.

Ambry Genetics
Classification: Uncertain significance for Inborn genetic diseases. Last evaluated: 2022-10-12. Review status: criteria provided, single submitter. Criteria: Ambry Variant Classification Scheme 2023. Collection method: clinical testing. Allele origin: germline.